The following is an entry in ClinVar:

NM_001369.3(DNAH5):c.2938dup (p.Ala980fs)

Genes: DNAH5 (dynein axonemal heavy chain 5; minus strand), DNAH5-AS1 (DNAH5 antisense RNA 1; plus strand). Cytogenetic location: 5p15.2.
Variant type: Duplication.
Coding change: c.2938dup on transcript NM_001369.3 (MANE Select); coding-DNA position 2938, one base duplicated (G; older notation c.2938dupG).
Protein change: p.Ala980fs; shifts the reading frame from alanine 980.
Molecular consequence: frameshift variant.
Genome position (GRCh38, 1-based): chr5:13,885,034, C duplicated on the plus strand (G on the coding strand, the reverse complement: DNAH5 is on the minus strand); the first of 2 consecutive C bases (chr5:13,885,034-13,885,035); duplicating either gives the same sequence. VCF-style (leftmost placement, unchanged base first): chr5-13885033-G-GC. GRCh37 (hg19) VCF-style: chr5-13885142-G-GC.
Other names: short protein forms A980fs.
Identifiers: ClinVar variation 1724413 (VCV001724413.2), dbSNP rs2547037386, ClinGen allele CA2580072152.

ClinVar aggregate classification (germline): Likely pathogenic (1 of 4 stars; one submission).

Conditions:
Primary ciliary dyskinesia 3. Identifiers: Orphanet 244, MedGen C1837618, MONDO:0012085, OMIM 608644.

Submission:

Myriad Genetics, Inc.
Classification: Likely pathogenic for Primary ciliary dyskinesia 3. Last evaluated: 2022-02-12. Review status: criteria provided, single submitter. Criteria: Myriad Women's Health Autosomal Recessive and X-Linked Classification Criteria (2021). Collection method: clinical testing. Allele origin: unknown.
Comment: NM_001369.2(DNAH5):c.2938dupG(A980Gfs*13) is expected to be pathogenic in the context of DNAH5-related primary ciliary dyskinesia. This variant is predicted to lead to an abnormal or absent protein product due to the creation of a premature termination codon in DNAH5, a gene where loss-of-function variants are known to be pathogenic. Please note: this variant was assessed in the context of healthy population screening.